The following is an entry in ClinVar:

NM_001368894.2(PAX6):c.317G>A (p.Arg106Gln)

Gene: PAX6 (paired box 6; minus strand). Cytogenetic location: 11p13.
Variant type: single nucleotide variant.
Coding change: c.317G>A on transcript NM_001368894.2 (MANE Select); coding-DNA position 317, G replaced by A.
Protein change: p.Arg106Gln; replaces arginine 106 with glutamine.
Molecular consequence: missense variant. On other transcripts: 5 prime UTR variant (14), non-coding transcript variant (2), intron variant (8).
Genome position (GRCh38, 1-based): chr11:31,801,643, C>T on the plus strand (G>A on the coding strand, the complement: PAX6 is on the minus strand). VCF-style: chr11-31801643-C-T. GRCh37 (hg19) VCF-style: chr11-31823191-C-T.
Other names: c.275G>A, p.Arg92Gln (NM_000280.6, NM_001127612.3, NM_001258464.2 and 10 more transcripts); c.317G>A, p.Arg106Gln (NM_001258462.3, NM_001258463.2, NM_001310158.2 and 6 more transcripts); c.-465G>A (NM_001310160.2, NM_001368902.2, NM_001368905.2); c.-134G>A (NM_001310161.3, NM_001368899.2, NM_001368900.2 and 8 more transcripts); c.518G>A, p.Arg173Gln (NM_001368910.2); c.320G>A, p.Arg107Gln (NM_001368911.2); c.392G>A, p.Arg131Gln (NM_001368918.2, NM_001368919.2); c.350G>A, p.Arg117Gln (NM_001368920.2); and 3 more; short protein forms R131Q, R92Q, R117Q, R106Q, R107Q, R173Q.
Identifiers: ClinVar variation 877705 (VCV000877705.12), dbSNP rs769095184, ClinGen allele CA5933924.

ClinVar aggregate classification (germline): Conflicting classifications of pathogenicity. Review status: criteria provided, conflicting classifications (1 of 4 stars). 4 submissions from 3 submitters: Pathogenic (1); Uncertain significance (3). Last evaluated 2025-03-03.

Conditions:
Anophthalmia-microphthalmia syndrome. Also called: Anophthalmia/Microphthalmia; Anophthalmia - microphthalmia. Identifiers: Orphanet 98555, MedGen C5680330, MONDO:0020147.
Autosomal dominant keratitis. Also called: Keratitis, hereditary. Identifiers: Orphanet 2334, MedGen C1835698, MONDO:0007848, OMIM 148190.
Aniridia 1 (AN1). Identifiers: Orphanet 250923, MedGen C0344542, MONDO:0024507, OMIM 106210.
Irido-corneo-trabecular dysgenesis (ASGD5). Also called: ANTERIOR SEGMENT DYSGENESIS 5. Identifiers: Orphanet 708, MedGen C0344559, MONDO:0011414, OMIM 604229, HP:0000659.

Allele frequency attached by ClinVar (database versions not stated): gnomAD 0.00001; gnomAD exomes 0.00001 and 0.00003; TOPMed 0.00002; ExAC 0.00003.

Submissions (4):

GeneDx
Classification: Uncertain significance. Last evaluated: 2025-03-03. Review status: criteria provided, single submitter. Criteria: GeneDx Variant Classification Process June 2021. Collection method: clinical testing. Allele origin: germline. Affected: yes.
Comment: Published functional studies demonstrate a damaging effect [impaired binding to DNA] (PMID: 31700164); Identified in a patient with corneal dystrophy, however variant was inherited from an unaffected parent (PMID: 36729443); Identified in a patient with inherited retinal degeneration and retinal detachment, however segregation information was not provided (PMID: 31106028); In silico analysis supports that this missense variant has a deleterious effect on protein structure/function; This variant is associated with the following publications: (PMID: 34426522, 31161946, 31106028, 31700164, 36729443)

Labcorp Genetics (formerly Invitae), Labcorp
Classification: Pathogenic for Aniridia 1; Irido-corneo-trabecular dysgenesis. Last evaluated: 2024-12-24. Review status: criteria provided, single submitter. Criteria: Invitae Variant Classification Sherloc (09022015). Collection method: clinical testing. Allele origin: germline.
Comment: This sequence change replaces arginine, which is basic and polar, with glutamine, which is neutral and polar, at codon 92 of the PAX6 protein (p.Arg92Gln). This variant is present in population databases (rs769095184, gnomAD 0.04%). This missense change has been observed in individual(s) with aniridia (PMID: 31161946). It has also been observed to segregate with disease in related individuals. ClinVar contains an entry for this variant (Variation ID: 877705). Invitae Evidence Modeling of protein sequence and biophysical properties (such as structural, functional, and spatial information, amino acid conservation, physicochemical variation, residue mobility, and thermodynamic stability) indicates that this missense variant is not expected to disrupt PAX6 protein function with a negative predictive value of 80%. For these reasons, this variant has been classified as Pathogenic.

Illumina Laboratory Services, Illumina
Classification: Uncertain significance for Anophthalmia-microphthalmia syndrome. Last evaluated: 2017-04-28. Review status: criteria provided, single submitter. Criteria: ICSL Variant Classification Criteria 13 December 2019. Collection method: clinical testing. Allele origin: germline.

Illumina Laboratory Services, Illumina
Classification: Uncertain significance for Autosomal dominant keratitis. Last evaluated: 2017-04-28. Review status: criteria provided, single submitter. Criteria: ICSL Variant Classification Criteria 13 December 2019. Collection method: clinical testing. Allele origin: germline.

Literature cited by the submitters: PubMed 31161946 (cited by Labcorp Genetics (formerly Invitae), Labcorp).